The following is an entry in ClinVar:

ClinVar aggregate classification (germline): Uncertain significance (1 of 4 stars; one submission).

Allele frequency attached by ClinVar (database versions not stated): ExAC 0.00002; gnomAD 0.00005 and 0.00006; gnomAD exomes 0.00008; TOPMed 0.00009; ESP Exome Variant Server 0.00015; 1000 Genomes Project 0.00020; 1000 Genomes Project 30x 0.00031.
gnomAD v4.1: 177 of 1,614,030 alleles (0.011%); highest among the groups gnomAD compares: Admixed American, 0.015%; no homozygotes.

Submission:

Labcorp Genetics (formerly Invitae), Labcorp
Classification: Uncertain significance. Last evaluated: 2022-09-19. Review status: criteria provided, single submitter. Criteria: Invitae Variant Classification Sherloc (09022015). Collection method: clinical testing. Allele origin: germline.
Comment: This sequence change falls in intron 8 of the C8B gene. It does not directly change the encoded amino acid sequence of the C8B protein. It affects a nucleotide within the consensus splice site. This variant is present in population databases (rs202043901, gnomAD 0.02%). This variant has not been reported in the literature in individuals affected with C8B-related conditions. ClinVar contains an entry for this variant (Variation ID: 1515014). Variants that disrupt the consensus splice site are a relatively common cause of aberrant splicing (PMID: 17576681, 9536098). Algorithms developed to predict the effect of sequence changes on RNA splicing suggest that this variant may disrupt the consensus splice site. In summary, the available evidence is currently insufficient to determine the role of this variant in disease. Therefore, it has been classified as a Variant of Uncertain Significance.

Literature cited by the submitters: PubMed 17576681; PubMed 9536098.

NM_000066.4(C8B):c.1234+5G>C

Gene: C8B (complement C8 beta chain; minus strand). Cytogenetic location: 1p32.2.
Variant type: single nucleotide variant.
Coding change: c.1234+5G>C on transcript NM_000066.4 (MANE Select); 5 bases into the intron after coding-DNA position 1234, G replaced by C.
Molecular consequence: intron variant.
Genome position (GRCh38, 1-based): chr1:56,943,691, C>G on the plus strand (G>C on the coding strand, the complement: C8B is on the minus strand). VCF-style: chr1-56943691-C-G. GRCh37 (hg19) VCF-style: chr1-57409364-C-G.
Other names: c.1048+5G>C (NM_001278544.2); c.1078+5G>C (NM_001278543.2).
Identifiers: ClinVar variation 1515014 (VCV001515014.3), dbSNP rs202043901, ClinGen allele CA875718.
Genomic context (GRCh38, chr1:56,943,691, plus strand): 5'-AATCACCAGAGGCACTAGGAGGATAAACATTATAAGTGTGGAAGTCACAAGCCCCTGTCA[C>G]TCACCTTTTATTTCATTCAGAATACCTCTGCATTTGCCTACAGACACACCCAGACTGACG-3'